The following is an entry in ClinVar:

NM_015656.2(KIF26A):c.4484delinsCTGC (p.Val1495delinsAlaAla)

Gene: KIF26A (kinesin family member 26A; plus strand). Cytogenetic location: 14q32.33.
Variant type: Indel.
Coding change: c.4484delinsCTGC on transcript NM_015656.2 (MANE Select); coding-DNA position 4484, T replaced by CTGC.
Protein change: p.Val1495delinsAlaAla.
Molecular consequence: inframe indel.
Genome position (GRCh38, 1-based): chr14:104,177,272, T replaced by CTGC. VCF-style: chr14-104177272-T-CTGC. GRCh37 (hg19) VCF-style: chr14-104643609-T-CTGC.
Identifiers: ClinVar variation 4999261 (VCV004999261.1).

ClinVar aggregate classification (germline): Uncertain significance (1 of 4 stars; one submission).

Conditions:
KIF26A-related condition.

Submission:

PreventionGenetics, part of Exact Sciences
Classification: Uncertain significance for KIF26A-related condition. Last evaluated: 2024-10-21. Review status: criteria provided, single submitter. Criteria: ACMG Guidelines, 2015. Collection method: clinical testing. Allele origin: germline.
Comment: The KIF26A c.4484delinsCTGC variant is predicted to result in an in-frame deletion and insertion. To our knowledge, this variant has not been reported in the literature or in a large population database (gnomAD), indicating this variant is rare. Although this variant is not reported in gnomAD v2.1.1 as c.4484delinsCTGC, it is present as two separate variants in gnomAD v4.1 (available only on GRCh38): c.4483_4484insC and c.4484_4485insGC, which are present 0.12% of alleles in individuals of African/African American descent. Although we suspect that this variant may be benign, at this time, the clinical significance of this variant is uncertain due to the absence of conclusive functional and genetic evidence.